The following is an entry in ClinVar:

ClinVar aggregate classification (germline): Likely benign (1 of 4 stars; one submission).

Conditions:
Hypertrophic cardiomyopathy. Also called: HYPERTROPHIC MYOCARDIOPATHY. Identifiers: Orphanet 217569, MedGen C0007194, MeSH D002312, MONDO:0005045, HP:0001639.

gnomAD v4.1: 3 of 1,613,994 alleles (0.00019%); highest among the groups gnomAD compares: Admixed American, 0.0017%; no homozygotes.

Submission:

All of Us Research Program, National Institutes of Health
Classification: Likely benign for Hypertrophic cardiomyopathy. Last evaluated: 2024-08-23. Review status: criteria provided, single submitter. Criteria: ACMG Guidelines, 2015. Collection method: clinical testing. Allele origin: germline. Inheritance: Autosomal dominant inheritance. Observed: 1 variant allele, 1 heterozygote.
Comment: This study involves interpretation of variants in research participants for the purpose of population health screening. Participant phenotype was not available at the time of variant classification. Additional details can be found in publication PMID: 35346344, PMCID: PMC8962531

NM_000256.3(MYBPC3):c.2502G>A (p.Arg834=)

Gene: MYBPC3 (myosin binding protein C3; minus strand). Cytogenetic location: 11p11.2.
Variant type: single nucleotide variant.
Coding change: c.2502G>A on transcript NM_000256.3 (MANE Select); coding-DNA position 2502, G replaced by A.
Protein change: p.Arg834=; no amino-acid change (arginine 834 retained).
Molecular consequence: synonymous variant.
Genome position (GRCh38, 1-based): chr11:47,337,491, C>T on the plus strand (G>A on the coding strand, the complement: MYBPC3 is on the minus strand). VCF-style: chr11-47337491-C-T. GRCh37 (hg19) VCF-style: chr11-47359042-C-T.
Identifiers: ClinVar variation 3387111 (VCV003387111.1).